The following is an entry in ClinVar:

NM_001379200.1(TBX1):c.472G>A (p.Gly158Ser)

Gene: TBX1 (T-box transcription factor 1; plus strand). Cytogenetic location: 22q11.21.
Variant type: single nucleotide variant.
Coding change: c.472G>A on transcript NM_001379200.1 (MANE Select); coding-DNA position 472, G replaced by A.
Protein change: p.Gly158Ser; replaces glycine 158 with serine.
Molecular consequence: missense variant.
Genome position (GRCh38, 1-based): chr22:19,763,275, G>A. VCF-style: chr22-19763275-G-A. GRCh37 (hg19) VCF-style: chr22-19750798-G-A.
Other names: c.445G>A, p.Gly149Ser (NM_005992.1, NM_080646.2, NM_080647.1); short protein forms G149S, G158S.
Identifiers: ClinVar variation 1383655 (VCV001383655.9), dbSNP rs909599095, ClinGen allele CA322054683.

ClinVar aggregate classification (germline): Uncertain significance. Review status: criteria provided, multiple submitters, no conflicts (2 of 4 stars). 2 submissions from 2 submitters: Uncertain significance (2). Last evaluated 2024-12-09.

Conditions:
DiGeorge syndrome. Also called: Catch22; THIRD AND FOURTH PHARYNGEAL POUCH SYNDROME. Identifiers: Orphanet 567, MedGen C0012236, MONDO:0008564, OMIM 188400.

Allele frequency attached by ClinVar (database versions not stated): gnomAD exomes 0.00001; gnomAD 0.00002; TOPMed 0.00002.
gnomAD v4.1: 16 of 1,614,064 alleles (0.00099%); highest among the groups gnomAD compares: African/African-American, 0.0093%; no homozygotes.

Submissions (2):

Labcorp Genetics (formerly Invitae), Labcorp
Classification: Uncertain significance for DiGeorge syndrome. Last evaluated: 2024-12-09. Review status: criteria provided, single submitter. Criteria: Invitae Variant Classification Sherloc (09022015). Collection method: clinical testing. Allele origin: germline.
Comment: This sequence change replaces glycine, which is neutral and non-polar, with serine, which is neutral and polar, at codon 149 of the TBX1 protein (p.Gly149Ser). This variant is present in population databases (no rsID available, gnomAD 0.01%). This variant has not been reported in the literature in individuals affected with TBX1-related conditions. ClinVar contains an entry for this variant (Variation ID: 1383655). Invitae Evidence Modeling of protein sequence and biophysical properties (such as structural, functional, and spatial information, amino acid conservation, physicochemical variation, residue mobility, and thermodynamic stability) indicates that this missense variant is expected to disrupt TBX1 protein function with a positive predictive value of 80%. In summary, the available evidence is currently insufficient to determine the role of this variant in disease. Therefore, it has been classified as a Variant of Uncertain Significance.

Blueprint Genetics
Classification: Uncertain significance. Last evaluated: 2024-03-04. Review status: criteria provided, single submitter. Criteria: ACMG Guidelines, 2015. Collection method: clinical testing. Allele origin: germline.